The following is an entry in ClinVar:

ClinVar aggregate classification (germline): Uncertain significance (1 of 4 stars; one submission).

Conditions:
Cardiovascular phenotype. Identifiers: MedGen CN230736.

Submission:

Ambry Genetics
Classification: Uncertain significance for Cardiovascular phenotype. Last evaluated: 2021-12-13. Review status: criteria provided, single submitter. Criteria: Ambry Variant Classification Scheme 2023. Collection method: clinical testing. Allele origin: germline.
Comment: The p.L91M variant (also known as c.271C>A), located in coding exon 2 of the TCAP gene, results from a C to A substitution at nucleotide position 271. The leucine at codon 91 is replaced by methionine, an amino acid with highly similar properties. This amino acid position is conserved. In addition, the in silico prediction for this alteration is inconclusive. Since supporting evidence is limited at this time, the clinical significance of this alteration remains unclear.

NM_003673.4(TCAP):c.271C>A (p.Leu91Met)

Gene: TCAP (titin-cap; plus strand). Cytogenetic location: 17q12.
Variant type: single nucleotide variant.
Coding change: c.271C>A on transcript NM_003673.4 (MANE Select); coding-DNA position 271, C replaced by A.
Protein change: p.Leu91Met; replaces leucine 91 with methionine.
Molecular consequence: missense variant.
Genome position (GRCh38, 1-based): chr17:39,665,876, C>A. VCF-style: chr17-39665876-C-A. GRCh37 (hg19) VCF-style: chr17-37822129-C-A.
Other names: short protein forms L91M.
Identifiers: ClinVar variation 1795156 (VCV001795156.2), dbSNP rs2543739419, ClinGen allele CA399304725.